The following is an entry in ClinVar:

NM_004423.4(DVL3):c.1927A>G (p.Ser643Gly)

Gene: DVL3 (dishevelled segment polarity protein 3; plus strand). Cytogenetic location: 3q27.1.
Variant type: single nucleotide variant.
Coding change: c.1927A>G on transcript NM_004423.4 (MANE Select); coding-DNA position 1927, A replaced by G.
Protein change: p.Ser643Gly; replaces serine 643 with glycine.
Molecular consequence: missense variant.
Genome position (GRCh38, 1-based): chr3:184,170,531, A>G. VCF-style: chr3-184170531-A-G. GRCh37 (hg19) VCF-style: chr3-183888319-A-G.
Other names: short protein forms S643G.
Identifiers: ClinVar variation 3626336 (VCV003626336.2).

ClinVar aggregate classification (germline): Uncertain significance (1 of 4 stars; one submission).

Submission:

Labcorp Genetics (formerly Invitae), Labcorp
Classification: Uncertain significance. Last evaluated: 2024-03-07. Review status: criteria provided, single submitter. Criteria: Invitae Variant Classification Sherloc (09022015). Collection method: clinical testing. Allele origin: germline.
Comment: This sequence change replaces serine, which is neutral and polar, with glycine, which is neutral and non-polar, at codon 643 of the DVL3 protein (p.Ser643Gly). This variant is not present in population databases (gnomAD no frequency). This variant has not been reported in the literature in individuals affected with DVL3-related conditions. Advanced modeling of protein sequence and biophysical properties (such as structural, functional, and spatial information, amino acid conservation, physicochemical variation, residue mobility, and thermodynamic stability) performed at Invitae indicates that this missense variant is not expected to disrupt DVL3 protein function with a negative predictive value of 80%. In summary, the available evidence is currently insufficient to determine the role of this variant in disease. Therefore, it has been classified as a Variant of Uncertain Significance.